The following is an entry in ClinVar:

ClinVar aggregate classification (germline): Uncertain significance (1 of 4 stars; one submission).

Conditions:
Familial cold autoinflammatory syndrome 2 (FCAS2). Identifiers: Orphanet 247868, MedGen C2673198, MONDO:0012724, OMIM 611762.

gnomAD v4.1: 12 of 1,614,166 alleles (0.00074%); highest among the groups gnomAD compares: South Asian, 0.0044%; no homozygotes.

Submission:

Labcorp Genetics (formerly Invitae), Labcorp
Classification: Uncertain significance for Familial cold autoinflammatory syndrome 2. Last evaluated: 2026-01-11. Review status: criteria provided, single submitter. Criteria: Invitae Variant Classification Sherloc (09022015). Collection method: clinical testing. Allele origin: germline.
Comment: This sequence change replaces cysteine, which is neutral and slightly polar, with arginine, which is basic and polar, at codon 848 of the NLRP12 protein (p.Cys848Arg). This variant is present in population databases (rs753224342, gnomAD 0.01%). This variant has not been reported in the literature in individuals affected with NLRP12-related conditions. Invitae Evidence Modeling of protein sequence and biophysical properties (such as structural, functional, and spatial information, amino acid conservation, physicochemical variation, residue mobility, and thermodynamic stability) indicates that this missense variant is not expected to disrupt NLRP12 protein function with a negative predictive value of 80%. In summary, the available evidence is currently insufficient to determine the role of this variant in disease. Therefore, it has been classified as a Variant of Uncertain Significance.

NM_144687.4(NLRP12):c.2542T>C (p.Cys848Arg)

Gene: NLRP12 (NLR family pyrin domain containing 12; minus strand). Cytogenetic location: 19q13.42.
Variant type: single nucleotide variant.
Coding change: c.2542T>C on transcript NM_144687.4 (MANE Select); coding-DNA position 2542, T replaced by C.
Protein change: p.Cys848Arg; replaces cysteine 848 with arginine.
Molecular consequence: missense variant.
Genome position (GRCh38, 1-based): chr19:53,803,995, A>G on the plus strand (T>C on the coding strand, the complement: NLRP12 is on the minus strand). VCF-style: chr19-53803995-A-G. GRCh37 (hg19) VCF-style: chr19-54307249-A-G.
Other names: c.2545T>C, p.Cys849Arg (NM_001277126.2); c.2542T>C, p.Cys848Arg (NM_001277129.1); short protein forms C848R, C849R.
Identifiers: ClinVar variation 4799448 (VCV004799448.1).